The following is an entry in ClinVar:

NM_000138.5(FBN1):c.5809G>A (p.Gly1937Arg)

Gene: FBN1 (fibrillin 1; minus strand). Cytogenetic location: 15q21.1.
Variant type: single nucleotide variant.
Coding change: c.5809G>A on transcript NM_000138.5 (MANE Select); coding-DNA position 5809, G replaced by A.
Protein change: p.Gly1937Arg; replaces glycine 1937 with arginine.
Molecular consequence: missense variant.
Genome position (GRCh38, 1-based): chr15:48,445,484, C>T on the plus strand (G>A on the coding strand, the complement: FBN1 is on the minus strand). VCF-style: chr15-48445484-C-T. GRCh37 (hg19) VCF-style: chr15-48737681-C-T.
Other names: c.5809G>A, p.Gly1937Arg (NM_001406716.1); short protein forms G1937R.
Identifiers: ClinVar variation 3071097 (VCV003071097.1), dbSNP rs1555395766, ClinGen allele CA392340194.

ClinVar aggregate classification (germline): Uncertain significance (1 of 4 stars; one submission).

Conditions:
Marfan syndrome (MFS). Also called: MARFAN SYNDROME, TYPE I; Marfan syndrome type 1; Marfan's syndrome; Marfan syndrome, classic; FBN1-Related Marfan Syndrome. Identifiers: Orphanet 284963, Orphanet 558, MedGen C0024796, MONDO:0007947, OMIM 154700.

Allele frequency attached by ClinVar (database versions not stated): gnomAD exomes below 0.00001.
gnomAD v4.1: 1 of 1,612,676 alleles (0.000062%); highest among the groups gnomAD compares: South Asian, 0.0011%; no homozygotes.

Submission:

All of Us Research Program, National Institutes of Health
Classification: Uncertain significance for Marfan syndrome. Last evaluated: 2023-05-16. Review status: criteria provided, single submitter. Criteria: ACMG Guidelines, 2015. Collection method: clinical testing. Allele origin: germline. Inheritance: Autosomal dominant inheritance. Observed: 1 variant allele, 1 heterozygote.
Comment: This missense variant replaces glycine with arginine at codon 1937 of the FBN1 protein. Computational prediction suggests that this variant may not impact protein structure and function (internally defined REVEL score threshold <= 0.5, PMID: 27666373). To our knowledge, functional studies have not been reported for this variant. This variant has not been reported in individuals affected with FBN1-related disorders in the literature. This variant has not been identified in the general population by the Genome Aggregation Database (gnomAD). The available evidence is insufficient to determine the role of this variant in disease conclusively. Therefore, this variant is classified as a Variant of Uncertain Significance.

This study involves interpretation of variants in research participants for the purpose of population health screening. Participant phenotype was not available at the time of variant classification. Additional details can be found in publication PMID: 35346344, PMCID: PMC8962531